The following is an entry in ClinVar:

ClinVar aggregate classification (germline): Uncertain significance (1 of 4 stars; one submission).

Conditions:
Familial hypercholesterolemia. Also called: Familial hypercholesterolaemia. Identifiers: MedGen C0020445, MONDO:0005439.

Submission:

Color Diagnostics, LLC DBA Color Health
Classification: Uncertain significance for Familial hypercholesterolemia. Last evaluated: 2024-02-04. Review status: criteria provided, single submitter. Criteria: ACMG Guidelines, 2015. Collection method: clinical testing. Allele origin: germline.
Comment: This missense variant replaces glycine with glutamic acid at codon 232 of the PCSK9 protein. Computational prediction suggests that this variant may have deleterious impact on protein structure and function (internally defined REVEL score threshold >= 0.7, PMID: 27666373). To our knowledge, functional studies have not been reported for this variant. This variant has not been reported in individuals affected with PCSK9-related disorders in the literature. This variant has not been identified in the general population by the Genome Aggregation Database (gnomAD). The available evidence is insufficient to determine the role of this variant in disease conclusively. Therefore, this variant is classified as a Variant of Uncertain Significance.

NM_174936.4(PCSK9):c.695G>A (p.Gly232Glu)

Gene: PCSK9 (proprotein convertase subtilisin/kexin type 9; plus strand). Cytogenetic location: 1p32.3.
Variant type: single nucleotide variant.
Coding change: c.695G>A on transcript NM_174936.4 (MANE Select); coding-DNA position 695, G replaced by A.
Protein change: p.Gly232Glu; replaces glycine 232 with glutamic acid.
Molecular consequence: missense variant. On other transcripts: non-coding transcript variant (8).
Genome position (GRCh38, 1-based): chr1:55,052,687, G>A. VCF-style: chr1-55052687-G-A. GRCh37 (hg19) VCF-style: chr1-55518360-G-A.
Other names: c.818G>A, p.Gly273Glu (NM_001407240.1); c.695G>A, p.Gly232Glu (NM_001407241.1, NM_001407244.1, NM_001407247.1); c.698G>A, p.Gly233Glu (NM_001407242.1); c.638G>A, p.Gly213Glu (NM_001407243.1); c.503G>A, p.Gly168Glu (NM_001407245.1); c.320G>A, p.Gly107Glu (NM_001407246.1); short protein forms G107E, G168E, G213E, G232E, G233E, G273E.
Identifiers: ClinVar variation 3894442 (VCV003894442.1).